The following is an entry in ClinVar:

NM_194248.3(OTOF):c.3568G>C (p.Val1190Leu)

Gene: OTOF (otoferlin; minus strand). Cytogenetic location: 2p23.3.
Variant type: single nucleotide variant.
Coding change: c.3568G>C on transcript NM_194248.3 (MANE Select); coding-DNA position 3568, G replaced by C.
Protein change: p.Val1190Leu; replaces valine 1190 with leucine.
Molecular consequence: missense variant.
Genome position (GRCh38, 1-based): chr2:26,473,408, C>G on the plus strand (G>C on the coding strand, the complement: OTOF is on the minus strand). VCF-style: chr2-26473408-C-G. GRCh37 (hg19) VCF-style: chr2-26696276-C-G.
Other names: c.3568G>C, p.Val1190Leu (NM_001287489.2); c.1327G>C, p.Val443Leu (NM_004802.4, NM_194323.3); c.1498G>C, p.Val500Leu (NM_194322.3); short protein forms V500L, V1190L, V443L.
Identifiers: ClinVar variation 2004807 (VCV002004807.2), dbSNP rs1327835518, ClinGen allele CA346104258.
Genomic context (GRCh38, chr2:26,473,408, plus strand): 5'-GCTGGCTGAGTGGAGCCACACTGGCCACAGGATGTCCTCCGCCAGGGCCTGCACTCACCA[C>G]TTCAAACCACTTGACGAGGGTGTTGAAGTTGGGGTTCTTCTTATAATTGTGGATCAGGGA-3'
Protein context (NP_919224.1, residues 1180-1200): NFNTLVKWFE[Val1190Leu]DLPENELLHP

ClinVar aggregate classification (germline): Uncertain significance (1 of 4 stars; one submission).

Allele frequency attached by ClinVar (database versions not stated): gnomAD exomes below 0.00001.
gnomAD v4.1: 1 of 1,613,460 alleles (0.000062%); highest among the groups gnomAD compares: Admixed American, 0.0017%; no homozygotes.

Submission:

Labcorp Genetics (formerly Invitae), Labcorp
Classification: Uncertain significance. Last evaluated: 2022-06-27. Review status: criteria provided, single submitter. Criteria: Invitae Variant Classification Sherloc (09022015). Collection method: clinical testing. Allele origin: germline.
Comment: In summary, the available evidence is currently insufficient to determine the role of this variant in disease. Therefore, it has been classified as a Variant of Uncertain Significance. Algorithms developed to predict the effect of missense changes on protein structure and function (SIFT, PolyPhen-2, Align-GVGD) all suggest that this variant is likely to be disruptive. This variant has not been reported in the literature in individuals affected with OTOF-related conditions. This variant is present in population databases (no rsID available, gnomAD 0.003%). This sequence change replaces valine, which is neutral and non-polar, with leucine, which is neutral and non-polar, at codon 1190 of the OTOF protein (p.Val1190Leu).